The following is an entry in ClinVar:

NM_014009.4(FOXP3):c.1268G>A (p.Arg423Lys)

Gene: FOXP3 (forkhead box P3; minus strand). Cytogenetic location: Xp11.23.
Variant type: single nucleotide variant.
Coding change: c.1268G>A on transcript NM_014009.4 (MANE Select); coding-DNA position 1268, G replaced by A.
Protein change: p.Arg423Lys; replaces arginine 423 with lysine.
Molecular consequence: missense variant.
Genome position (GRCh38, 1-based): chrX:49,251,362, C>T on the plus strand (G>A on the coding strand, the complement: FOXP3 is on the minus strand). VCF-style: chrX-49251362-C-T. GRCh37 (hg19) VCF-style: chrX-49107823-C-T.
Other names: c.1163G>A, p.Arg388Lys (NM_001114377.2); short protein forms R388K, R423K.
Identifiers: ClinVar variation 4772316 (VCV004772316.1).

ClinVar aggregate classification (germline): Uncertain significance (1 of 4 stars; one submission).

Conditions:
Insulin-dependent diabetes mellitus secretory diarrhea syndrome (IPEX). Also called: Immunodeficiency, Polyendocrinopathy, and Enteropathy X-Linked Syndrome; X-Linked Syndrome of Polyendocrinopathy, Immune Dysfunction, and Diarrhea; Immunodysregulation, polyendocrinopathy, and enteropathy, X-linked; Immune dysregulation-polyendocrinopathy-enteropathy-X-linked syndrome; IPEX and IPEX-Like; X-Linked Autoimmunity-Allergic Dysregulation Syndrome. Identifiers: Orphanet 37042, MedGen C0342288, MONDO:0010580, OMIM 304790. Disease mechanism: loss of function.

gnomAD v4.1: 1 of 1,210,739 alleles (0.000083%); highest among the groups gnomAD compares: Non-Finnish European, 0.00011%; no homozygotes.

Submission:

Labcorp Genetics (formerly Invitae), Labcorp
Classification: Uncertain significance for Insulin-dependent diabetes mellitus secretory diarrhea syndrome. Last evaluated: 2026-01-27. Review status: criteria provided, single submitter. Criteria: Invitae Variant Classification Sherloc (09022015). Collection method: clinical testing. Allele origin: germline.
Comment: This sequence change replaces arginine, which is basic and polar, with lysine, which is basic and polar, at codon 423 of the FOXP3 protein (p.Arg423Lys). This variant is present in population databases (no rsID available, gnomAD 0.001%). This variant has not been reported in the literature in individuals affected with FOXP3-related conditions. Invitae Evidence Modeling of protein sequence and biophysical properties (such as structural, functional, and spatial information, amino acid conservation, physicochemical variation, residue mobility, and thermodynamic stability) indicates that this missense variant is not expected to disrupt FOXP3 protein function with a negative predictive value of 95%. In summary, the available evidence is currently insufficient to determine the role of this variant in disease. Therefore, it has been classified as a Variant of Uncertain Significance.